The following is an entry in ClinVar:

NM_001378457.1(DMXL2):c.8182G>C (p.Asp2728His)

Gene: DMXL2 (Dmx like 2; minus strand). Cytogenetic location: 15q21.2.
Variant type: single nucleotide variant.
Coding change: c.8182G>C on transcript NM_001378457.1 (MANE Select); coding-DNA position 8182, G replaced by C.
Protein change: p.Asp2728His; replaces aspartic acid 2728 with histidine.
Molecular consequence: missense variant. On other transcripts: non-coding transcript variant (2).
Genome position (GRCh38, 1-based): chr15:51,458,522, C>G on the plus strand (G>C on the coding strand, the complement: DMXL2 is on the minus strand). VCF-style: chr15-51458522-C-G. GRCh37 (hg19) VCF-style: chr15-51750719-C-G.
Other names: c.8119G>C, p.Asp2707His (NM_001174116.3); c.6208G>C, p.Asp2070His (NM_001174117.3); c.8179G>C, p.Asp2727His (NM_001378458.1); c.7894G>C, p.Asp2632His (NM_001378459.1); c.6097G>C, p.Asp2033His (NM_001378460.1); c.8116G>C, p.Asp2706His (NM_015263.5); short protein forms D2728H, D2070H, D2632H, D2706H, D2707H, D2727H, D2033H.
Identifiers: ClinVar variation 1951128 (VCV001951128.4), dbSNP rs753115653, ClinGen allele CA270581376.

ClinVar aggregate classification (germline): Uncertain significance (1 of 4 stars; one submission).

Allele frequency attached by ClinVar (database versions not stated): gnomAD 0.00001.
gnomAD v4.1: 7 of 1,613,512 alleles (0.00043%); highest among the groups gnomAD compares: African/African-American, 0.0013%; no homozygotes.

Submission:

Labcorp Genetics (formerly Invitae), Labcorp
Classification: Uncertain significance. Last evaluated: 2025-02-12. Review status: criteria provided, single submitter. Criteria: Invitae Variant Classification Sherloc (09022015). Collection method: clinical testing. Allele origin: germline.
Comment: This sequence change replaces aspartic acid, which is acidic and polar, with histidine, which is basic and polar, at codon 2707 of the DMXL2 protein (p.Asp2707His). This variant is present in population databases (no rsID available, gnomAD 0.002%). This variant has not been reported in the literature in individuals affected with DMXL2-related conditions. ClinVar contains an entry for this variant (Variation ID: 1951128). An algorithm developed to predict the effect of missense changes on protein structure and function (PolyPhen-2) suggests that this variant is likely to be disruptive. In summary, the available evidence is currently insufficient to determine the role of this variant in disease. Therefore, it has been classified as a Variant of Uncertain Significance.